The following is an entry in ClinVar:

ClinVar aggregate classification (germline): Uncertain significance (1 of 4 stars; one submission).

Submission:

Women's Health and Genetics/Laboratory Corporation of America, LabCorp
Classification: Uncertain significance. Last evaluated: 2025-10-20. Review status: criteria provided, single submitter. Criteria: LabCorp Variant Classification Summary - May 2015. Collection method: clinical testing. Allele origin: germline.
Comment: Variant summary: RASGRP2 c.1372T>A (p.Phe458Ile) results in a non-conservative amino acid change in the encoded protein sequence. Algorithms developed to predict the effect of missense changes on protein structure and function are either unavailable or do not agree on the potential impact of this missense change. The variant was absent in 251470 control chromosomes. The available data on variant occurrences in the general population are insufficient to allow any conclusion about variant significance. To our knowledge, no occurrence of c.1372T>A in individuals affected with RASGRP2-related conditions and no experimental evidence demonstrating its impact on protein function have been reported. No submitters have cited clinical-significance assessments for this variant to ClinVar. Based on the evidence outlined above, the variant was classified as uncertain significance.

NM_001098671.2(RASGRP2):c.1372T>A (p.Phe458Ile)

Gene: RASGRP2 (RAS guanyl releasing protein 2; minus strand). Cytogenetic location: 11q13.1.
Variant type: single nucleotide variant.
Coding change: c.1372T>A on transcript NM_001098671.2 (MANE Select); coding-DNA position 1372, T replaced by A.
Protein change: p.Phe458Ile; replaces phenylalanine 458 with isoleucine.
Molecular consequence: missense variant.
Genome position (GRCh38, 1-based): chr11:64,735,152, A>T on the plus strand (T>A on the coding strand, the complement: RASGRP2 is on the minus strand). VCF-style: chr11-64735152-A-T. GRCh37 (hg19) VCF-style: chr11-64502624-A-T.
Other names: c.1372T>A, p.Phe458Ile (NM_001098670.2, NM_001440690.1, NM_001440691.1 and 9 more transcripts); c.937T>A, p.Phe313Ile (NM_001318398.2); c.1369T>A, p.Phe457Ile (NM_001440700.1, NM_001440701.1, NM_001440702.1); c.1459T>A, p.Phe487Ile (NM_001440703.1, NM_001440704.1); c.1456T>A, p.Phe486Ile (NM_001440705.1); short protein forms F313I, F457I, F458I, F486I, F487I.
Identifiers: ClinVar variation 4687168 (VCV004687168.1).
Genomic context (GRCh38, chr11:64,735,152, plus strand): 5'-AGGTCCCCAGCCCTCCTCACTGGTTCTGGTCGAGGTCCCCAAAGGCGCTGAGGTAAGGGA[A>T]GTTCCCACGGATGATCTGGAATTCTTCCTGTGAGATGTGGCCATCCCCATCGACGTCAAA-3'
Protein context (NP_001092141.1, residues 448-468): QEEFQIIRGN[Phe458Ile]PYLSAFGDLD